The following is an entry in ClinVar:

NM_001165963.4(SCN1A):c.4002+2359A>G

Genes: SCN1A (sodium voltage-gated channel alpha subunit 1; minus strand), LOC102724058 (uncharacterized LOC102724058; plus strand). Cytogenetic location: 2q24.3.
Variant type: single nucleotide variant.
Coding change: c.4002+2359A>G on transcript NM_001165963.4 (MANE Select); 2359 bases into the intron after coding-DNA position 4002, A replaced by G.
Molecular consequence: intron variant.
Genome position (GRCh38, 1-based): chr2:166,007,360, T>C on the plus strand (A>G on the coding strand, the complement: SCN1A is on the minus strand). VCF-style: chr2-166007360-T-C. GRCh37 (hg19) VCF-style: chr2-166863870-T-C.
Other names: c.3969+2359A>G (NM_001353949.2, NM_001353950.2, NM_001353951.2 and 2 more transcripts); c.3918+2359A>G (NM_001353958.2, NM_001353957.2, NM_001165964.3); c.4002+2359A>G (NM_001202435.3, NM_001353948.2); c.3966+2359A>G (NM_001353955.2, NM_001353954.2); c.3915+2359A>G (NM_001353960.2); c.1560+2359A>G (NM_001353961.2).
Identifiers: ClinVar variation 4803447 (VCV004803447.1).

ClinVar aggregate classification (germline): Uncertain significance (1 of 4 stars; one submission).

Conditions:
Early-infantile DEE. Also called: Early infantile epileptic encephalopathy; Early infantile epileptic encephalopathy with suppression bursts; Ohtahara syndrome. Identifiers: Orphanet 1934, MedGen C0393706, MONDO:0800491.

Submission:

Labcorp Genetics (formerly Invitae), Labcorp
Classification: Uncertain significance for Early-infantile DEE. Last evaluated: 2025-08-09. Review status: criteria provided, single submitter. Criteria: Invitae Variant Classification Sherloc (09022015). Collection method: clinical testing. Allele origin: germline.
Comment: This sequence change falls in intron 20 of the SCN1A gene. It does not directly change the encoded amino acid sequence of the SCN1A protein. However, this sequence change falls within a region encompassing a cryptic exon in the SCN1A gene, in which variants have been shown to alter splicing (PMID: 30526861, 34107977). This variant is not present in population databases (gnomAD no frequency). This variant has not been reported in the literature in individuals affected with SCN1A-related conditions. Algorithms developed to predict the effect of sequence changes on RNA splicing suggest that this variant is not likely to affect RNA splicing. In summary, the available evidence is currently insufficient to determine the role of this variant in disease. Therefore, it has been classified as a Variant of Uncertain Significance.

Literature cited by the submitters: PubMed 30526861; PubMed 34107977.